The following is an entry in ClinVar:

ClinVar aggregate classification (germline): Pathogenic (1 of 4 stars; one submission).

Conditions:
Hereditary angioedema type 1 (HAE1). Identifiers: Orphanet 100050, Orphanet 100051, Orphanet 91378, MedGen C2717906, MONDO:0015053, OMIM 106100.

Submission:

DNA-diagnostics Laboratory, Research Centre For Medical Genetics
Classification: Pathogenic for Hereditary angioedema type 1. Last evaluated: 2024-06-01. Review status: criteria provided, single submitter. Criteria: ACMG Guidelines, 2015. Collection method: research. Allele origin: germline. Inheritance: Autosomal dominant inheritance. Affected: yes. Observed: 1 variant allele, 1 heterozygote.
Comment: According to our observation and the published information of Xu et all, 2012, the c.1030delG variant in SERPING1 meets ACMG/ClinGen SVI guidance criteria to be classified as pathogenic: PVS1, PS4_Mod, PM2_Sup, PP4

Literature cited by the submitters: PubMed 22994404.

NM_000062.3(SERPING1):c.1030delG

Gene: SERPING1 (serpin family G member 1; plus strand). Cytogenetic location: 11q12.1.
Variant type: Deletion.
Coding change: c.1030delG on transcript NM_000062.3 (MANE Select); coding-DNA position 1030, one base deleted (G).
Molecular consequence: splice acceptor variant.
Genome position (GRCh38, 1-based): chr11:57,611,717, G deleted; the last of 2 consecutive G bases (chr11:57,611,716-57,611,717); deleting either gives the same sequence. VCF-style (leftmost placement, unchanged base first): chr11-57611715-AG-A. GRCh37 (hg19) VCF-style: chr11-57379188-AG-A.
Identifiers: ClinVar variation 3242452 (VCV003242452.2), dbSNP rs2495452078.